The following is an entry in ClinVar:

NM_003126.4(SPTA1):c.1513G>C (p.Gly505Arg)

Gene: SPTA1 (spectrin alpha, erythrocytic 1; minus strand). Cytogenetic location: 1q23.1.
Variant type: single nucleotide variant.
Coding change: c.1513G>C on transcript NM_003126.4 (MANE Select); coding-DNA position 1513, G replaced by C.
Protein change: p.Gly505Arg; replaces glycine 505 with arginine.
Molecular consequence: missense variant.
Genome position (GRCh38, 1-based): chr1:158,671,429, C>G on the plus strand (G>C on the coding strand, the complement: SPTA1 is on the minus strand). VCF-style: chr1-158671429-C-G. GRCh37 (hg19) VCF-style: chr1-158641219-C-G.
Other names: c.1513G>C (NM_003126.2); short protein forms G505R.
Identifiers: ClinVar variation 2436381 (VCV002436381.4), dbSNP rs778846612, ClinGen allele CA1183731.

ClinVar aggregate classification (germline): Uncertain significance. Review status: criteria provided, multiple submitters, no conflicts (2 of 4 stars). 2 submissions from 2 submitters: Uncertain significance (2). Last evaluated 2026-04-14.

Allele frequency attached by ClinVar (database versions not stated): gnomAD exomes 0.00008; TOPMed 0.00001; gnomAD 0.00007; ExAC 0.00014.
gnomAD v4.1: 125 of 1,612,888 alleles (0.0078%); highest among the groups gnomAD compares: Non-Finnish European, 0.0024%; 1 homozygote.

Submissions (2):

GeneDx
Classification: Uncertain significance. Last evaluated: 2026-04-14. Review status: criteria provided, single submitter. Criteria: GeneDx Variant Classification Process June 2021. Collection method: clinical testing. Allele origin: germline.
Comment: In silico analysis supports that this missense variant has a deleterious effect on protein structure/function; Has not been previously published as pathogenic or benign to our knowledge

Revvity Omics, Revvity
Classification: Uncertain significance. Last evaluated: 2022-08-16. Review status: criteria provided, single submitter. Criteria: ACMG Guidelines, 2015. Collection method: clinical testing. Allele origin: germline.